The following is an entry in ClinVar:

NM_001267550.2(TTN):c.34321G>A (p.Glu11441Lys)

Gene: TTN (titin; minus strand). Cytogenetic location: 2q31.2.
Variant type: single nucleotide variant.
Coding change: c.34321G>A on transcript NM_001267550.2 (MANE Select); coding-DNA position 34321, G replaced by A.
Protein change: p.Glu11441Lys; replaces glutamic acid 11441 with lysine.
Molecular consequence: missense variant. On other transcripts: intron variant (5).
Genome position (GRCh38, 1-based): chr2:178,677,258, C>T on the plus strand (G>A on the coding strand, the complement: TTN is on the minus strand). VCF-style: chr2-178677258-C-T. GRCh37 (hg19) VCF-style: chr2-179541985-C-T.
Other names: c.13283-34941G>A (NM_003319.4); c.13859-34941G>A (NM_133437.4); c.13658-34941G>A (NM_133432.3); c.30559+363G>A (NM_133378.4); c.33340+363G>A (NM_001256850.1); short protein forms E11441K.
Identifiers: ClinVar variation 2628459 (VCV002628459.2), dbSNP rs2068273487, ClinGen allele CA349528697.

ClinVar aggregate classification (germline): Uncertain significance (0 of 4 stars; one submission).

Conditions:
TTN-related disorder. Also called: TTN-related condition; TTN-related disease; TTN-related disorders.

Allele frequency attached by ClinVar (database versions not stated): gnomAD exomes below 0.00001.

Submission:

PreventionGenetics, part of Exact Sciences
Classification: Uncertain significance for TTN-related condition. Last evaluated: 2024-07-29. Review status: no assertion criteria provided. Collection method: clinical testing. Allele origin: germline.
Comment: The TTN c.34321G>A variant is predicted to result in the amino acid substitution p.Glu11441Lys. To our knowledge, this variant has not been reported in the literature or in gnomAD, indicating this variant is rare. At this time, the clinical significance of this variant is uncertain due to the absence of conclusive functional and genetic evidence.